The following is an entry in ClinVar:

NM_032043.3(BRIP1):c.2863A>G (p.Asn955Asp)

Gene: BRIP1 (BRCA1 interacting DNA helicase 1; minus strand). Cytogenetic location: 17q23.2.
Variant type: single nucleotide variant.
Coding change: c.2863A>G on transcript NM_032043.3 (MANE Select); coding-DNA position 2863, A replaced by G.
Protein change: p.Asn955Asp; replaces asparagine 955 with aspartic acid.
Molecular consequence: missense variant.
Genome position (GRCh38, 1-based): chr17:61,685,878, T>C on the plus strand (A>G on the coding strand, the complement: BRIP1 is on the minus strand). VCF-style: chr17-61685878-T-C. GRCh37 (hg19) VCF-style: chr17-59763239-T-C.
Other names: short protein forms N955D.
Identifiers: ClinVar variation 407811 (VCV000407811.15), dbSNP rs587782244, ClinGen allele CA16615774.

ClinVar aggregate classification (germline): Uncertain significance. Review status: criteria provided, multiple submitters, no conflicts (2 of 4 stars). 2 submissions from 2 submitters: Uncertain significance (2). Last evaluated 2024-07-30.

Conditions:
Hereditary cancer-predisposing syndrome. Also called: Hereditary neoplastic syndrome; Neoplastic Syndromes, Hereditary; Tumor predisposition; Hereditary Cancer Syndrome. Identifiers: Orphanet 140162, MedGen C0027672, MeSH D009386, MONDO:0015356.
Familial cancer of breast. Also called: Hereditary breast cancer; hereditary breast carcinoma; BREAST CANCER, FAMILIAL. Identifiers: Orphanet 227535, MedGen C0346153, MONDO:0016419, OMIM 114480. Disease mechanism: loss of function.
Fanconi anemia complementation group J. Also called: BRIP1-Related Fanconi Anemia. Identifiers: Orphanet 84, MedGen C1836860, MONDO:0012187, OMIM 609054.

Submissions (2):

Labcorp Genetics (formerly Invitae), Labcorp
Classification: Uncertain significance for Familial cancer of breast; Fanconi anemia complementation group J. Last evaluated: 2024-07-30. Review status: criteria provided, single submitter. Criteria: Invitae Variant Classification Sherloc (09022015). Collection method: clinical testing. Allele origin: germline.
Comment: This sequence change replaces asparagine, which is neutral and polar, with aspartic acid, which is acidic and polar, at codon 955 of the BRIP1 protein (p.Asn955Asp). This variant is not present in population databases (gnomAD no frequency). This variant has not been reported in the literature in individuals affected with BRIP1-related conditions. ClinVar contains an entry for this variant (Variation ID: 407811). Advanced modeling of protein sequence and biophysical properties (such as structural, functional, and spatial information, amino acid conservation, physicochemical variation, residue mobility, and thermodynamic stability) performed at Invitae indicates that this missense variant is not expected to disrupt BRIP1 protein function with a negative predictive value of 80%. In summary, the available evidence is currently insufficient to determine the role of this variant in disease. Therefore, it has been classified as a Variant of Uncertain Significance.

Color Diagnostics, LLC DBA Color Health
Classification: Uncertain significance for Hereditary cancer-predisposing syndrome. Last evaluated: 2023-12-05. Review status: criteria provided, single submitter. Criteria: ACMG Guidelines, 2015. Collection method: clinical testing. Allele origin: germline.
Comment: This missense variant replaces asparagine with aspartic acid at codon 955 of the BRIP1 protein. Computational prediction suggests that this variant may not impact protein structure and function (internally defined REVEL score threshold <= 0.5, PMID: 27666373). To our knowledge, functional studies have not been reported for this variant. This variant has not been reported in individuals affected with BRIP1-related disorders in the literature. This variant has not been identified in the general population by the Genome Aggregation Database (gnomAD). The available evidence is insufficient to determine the role of this variant in disease conclusively. Therefore, this variant is classified as a Variant of Uncertain Significance.